The following continues an entry in ClinVar:

NM_145239.3(PRRT2):c.649dup (p.Arg217fs)

ClinVar aggregate classification (germline): Pathogenic/Likely pathogenic. Pathogenic (76); Likely pathogenic (3).

Submission 96 of 96:

Laboratory of Diagnostic Genome Analysis, Leiden University Medical Center (LUMC)
Classification: Pathogenic. Review status: no assertion criteria provided. Collection method: clinical testing. Allele origin: germline. Affected: yes. Study: VKGL Data-share Consensus. Not counted in ClinVar's aggregate classification.

Literature cited by the submitters: PubMed 25457817 (cited by 4 submitters); PubMed 22243967 (cited by 6 submitters); PubMed 22870186 (cited by 4 submitters); PubMed 22875091 (cited by OLLIN Analises Genomicas, OLLIN and Athena Diagnostics); PubMed 23077024 (cited by OLLIN Analises Genomicas, OLLIN and Athena Diagnostics); PubMed 23077026 (cited by 3 submitters); PubMed 22399141 (cited by 4 submitters); PubMed 22209761 (cited by 3 submitters); PubMed 22101681 (cited by 15 submitters); PubMed 22131361 (cited by 3 submitters); PubMed 25522171 (cited by OLLIN Analises Genomicas, OLLIN and Athena Diagnostics); PubMed 22832103 (cited by 3 submitters); PubMed 24928127 (cited by Ambry Genetics); PubMed 25915028 (cited by Ambry Genetics); PubMed 26598493 (cited by 6 submitters); PubMed 42266542 (cited by Ambry Genetics); PubMed 26561923 (cited by Victorian Clinical Genetics Services, Murdoch Childrens Research Institute); PubMed 25502464 (cited by Victorian Clinical Genetics Services, Murdoch Childrens Research Institute and Athena Diagnostics); PubMed 29334453 (cited by 4 submitters); PubMed 22623405 (cited by 4 submitters); PubMed 22744660 (cited by 3 submitters); PubMed 22877996 (cited by Labcorp Genetics (formerly Invitae), Labcorp and Dasa); PubMed 23299620 (cited by 3 submitters); PubMed 25667652 (cited by Labcorp Genetics (formerly Invitae), Labcorp and Dasa); PubMed 23077017 (cited by Athena Diagnostics); PubMed 24370076 (cited by Athena Diagnostics and New York Genome Center); PubMed 38778723 (cited by Athena Diagnostics); PubMed 23771590 (cited by Athena Diagnostics); PubMed 22782515 (cited by Athena Diagnostics and Baylor Genetics); PubMed 23126439 (cited by Athena Diagnostics); PubMed 23182655 (cited by 3 submitters); PubMed 22120146 (cited by 3 submitters); PubMed 11179027 (cited by Athena Diagnostics); PubMed 33661484 (cited by Women's Health and Genetics/Laboratory Corporation of America, LabCorp); DOI 10.1055/s-0044-1786374 (cited by Unidad de Genómica Garrahan, Hospital de Pediatría Garrahan); PubMed 23180180 (cited by Eurofins Ntd Llc (ga)); PubMed 34782754 (cited by Equipe Genetique des Anomalies du Developpement, Université de Bourgogne); PubMed 38406554 (cited by Department of Reproductive Genetics, International Peace Maternity and Child Health Hospital, Shanghai Jiao Tong University School of Medicine); PubMed 35400548 (cited by Department of Reproductive Genetics, International Peace Maternity and Child Health Hospital, Shanghai Jiao Tong University School of Medicine); PubMed 31193310 (cited by Department of Reproductive Genetics, International Peace Maternity and Child Health Hospital, Shanghai Jiao Tong University School of Medicine); PubMed 23768507 (cited by Department of Reproductive Genetics, International Peace Maternity and Child Health Hospital, Shanghai Jiao Tong University School of Medicine and Baylor Genetics); PubMed 22845787 (cited by Department of Reproductive Genetics, International Peace Maternity and Child Health Hospital, Shanghai Jiao Tong University School of Medicine and Baylor Genetics); PubMed 37228410 (cited by Department of Reproductive Genetics, International Peace Maternity and Child Health Hospital, Shanghai Jiao Tong University School of Medicine); PubMed 36913149 (cited by Department of Reproductive Genetics, International Peace Maternity and Child Health Hospital, Shanghai Jiao Tong University School of Medicine); PubMed 39825153 (cited by Solve-RD Consortium); PubMed 24074546 (cited by Baylor Genetics).